The following is an entry in ClinVar:

ClinVar aggregate classification (germline): Likely benign. Review status: criteria provided, single submitter (1 of 4 stars). 2 submissions from 2 submitters: Likely benign (1). 1 of the submissions does not count toward it. Last evaluated 2025-12-08.

Conditions:
MHC class I deficiency. Identifiers: Orphanet 34592, MedGen C6024714, MONDO:0011476.
TAP2-related disorder. Also called: TAP2-related condition.

Allele frequency attached by ClinVar (database versions not stated): ExAC 0.00003; TOPMed 0.00001; gnomAD exomes 0.00002 and 0.00005; gnomAD 0.00001.
gnomAD v4.1: 75 of 1,612,954 alleles (0.0046%); highest among the groups gnomAD compares: Non-Finnish European, 0.0059%; no homozygotes.

Submissions (2):

Labcorp Genetics (formerly Invitae), Labcorp
Classification: Likely benign for MHC class I deficiency 1. Last evaluated: 2025-12-08. Review status: criteria provided, single submitter. Criteria: Invitae Variant Classification Sherloc (09022015). Collection method: clinical testing. Allele origin: germline.

PreventionGenetics, part of Exact Sciences
Classification: Likely benign for TAP2-related condition. Last evaluated: 2019-06-25. Review status: no assertion criteria provided. Collection method: clinical testing. Allele origin: germline. Not counted in ClinVar's aggregate classification.
Comment: This variant is classified as likely benign based on ACMG/AMP sequence variant interpretation guidelines (Richards et al. 2015 PMID: 25741868, with internal and published modifications).

NM_001290043.2(TAP2):c.1512C>T (p.Pro504=)

Gene: TAP2 (transporter 2, ATP binding cassette subfamily B member; minus strand). Cytogenetic location: 6p21.32.
Variant type: single nucleotide variant.
Coding change: c.1512C>T on transcript NM_001290043.2 (MANE Select); coding-DNA position 1512, C replaced by T.
Protein change: p.Pro504=; no amino-acid change (proline 504 retained).
Molecular consequence: synonymous variant.
Genome position (GRCh38, 1-based): chr6:32,830,390, G>A on the plus strand (C>T on the coding strand, the complement: TAP2 is on the minus strand). VCF-style: chr6-32830390-G-A. GRCh37 (hg19) VCF-style: chr6-32798167-G-A.
Other names: c.1512C>T, p.Pro504= (NM_000544.3, NM_018833.3).
Identifiers: ClinVar variation 1142653 (VCV001142653.10), dbSNP rs750188023, ClinGen allele CA3745875.